The following is an entry in ClinVar:

ClinVar aggregate classification (germline): Uncertain significance. Review status: criteria provided, multiple submitters, no conflicts (2 of 4 stars). 2 submissions from 2 submitters: Uncertain significance (2). Last evaluated 2024-03-13.

Conditions:
Inborn genetic diseases. Identifiers: MedGen C0950123, MeSH D030342.

Allele frequency attached by ClinVar (database versions not stated): gnomAD exomes below 0.00001 and 0.00001; gnomAD 0.00001; 1000 Genomes Project 30x 0.00016.
gnomAD v4.1: 4 of 1,613,610 alleles (0.00025%); highest among the groups gnomAD compares: East Asian, 0.0022%; no homozygotes.

Submissions (2):

Labcorp Genetics (formerly Invitae), Labcorp
Classification: Uncertain significance. Last evaluated: 2024-03-13. Review status: criteria provided, single submitter. Criteria: Invitae Variant Classification Sherloc (09022015). Collection method: clinical testing. Allele origin: germline.
Comment: This sequence change replaces valine, which is neutral and non-polar, with methionine, which is neutral and non-polar, at codon 377 of the NACC1 protein (p.Val377Met). This variant is present in population databases (no rsID available, gnomAD 0.006%). This variant has not been reported in the literature in individuals affected with NACC1-related conditions. ClinVar contains an entry for this variant (Variation ID: 1349194). Advanced modeling of protein sequence and biophysical properties (such as structural, functional, and spatial information, amino acid conservation, physicochemical variation, residue mobility, and thermodynamic stability) performed at Invitae indicates that this missense variant is not expected to disrupt NACC1 protein function with a negative predictive value of 80%. In summary, the available evidence is currently insufficient to determine the role of this variant in disease. Therefore, it has been classified as a Variant of Uncertain Significance.

Ambry Genetics
Classification: Uncertain significance for Inborn genetic diseases. Last evaluated: 2023-12-14. Review status: criteria provided, single submitter. Criteria: Ambry Variant Classification Scheme 2023. Collection method: clinical testing. Allele origin: germline.

NM_052876.4(NACC1):c.1129G>A (p.Val377Met)

Gene: NACC1 (nucleus accumbens associated 1; plus strand). Cytogenetic location: 19p13.13.
Variant type: single nucleotide variant.
Coding change: c.1129G>A on transcript NM_052876.4 (MANE Select); coding-DNA position 1129, G replaced by A.
Protein change: p.Val377Met; replaces valine 377 with methionine.
Molecular consequence: missense variant.
Genome position (GRCh38, 1-based): chr19:13,137,279, G>A. VCF-style: chr19-13137279-G-A. GRCh37 (hg19) VCF-style: chr19-13248093-G-A.
Other names: c.1129G>A (NM_052876.2); short protein forms V377M.
Identifiers: ClinVar variation 1349194 (VCV001349194.7), dbSNP rs1419582488, ClinGen allele CA404329066.